The following is an entry in ClinVar:

ClinVar aggregate classification (germline): Uncertain significance. Review status: criteria provided, multiple submitters, no conflicts (2 of 4 stars). 2 submissions from 2 submitters: Uncertain significance (2). Last evaluated 2024-01-08.

Conditions:
Cardiovascular phenotype. Identifiers: MedGen CN230736.
Hypertrophic cardiomyopathy. Also called: HYPERTROPHIC MYOCARDIOPATHY. Identifiers: Orphanet 217569, MedGen C0007194, MeSH D002312, MONDO:0005045, HP:0001639.

Allele frequency attached by ClinVar (database versions not stated): gnomAD 0.00001.
gnomAD v4.1: 1 of 1,613,934 alleles (0.000062%); highest among the groups gnomAD compares: East Asian, 0.0022%; no homozygotes.

Submissions (2):

Labcorp Genetics (formerly Invitae), Labcorp
Classification: Uncertain significance for Hypertrophic cardiomyopathy. Last evaluated: 2024-01-08. Review status: criteria provided, single submitter. Criteria: Invitae Variant Classification Sherloc (09022015). Collection method: clinical testing. Allele origin: germline.
Comment: This sequence change replaces asparagine, which is neutral and polar, with isoleucine, which is neutral and non-polar, at codon 140 of the MYOZ2 protein (p.Asn140Ile). This variant is not present in population databases (gnomAD no frequency). This variant has not been reported in the literature in individuals affected with MYOZ2-related conditions. ClinVar contains an entry for this variant (Variation ID: 1426081). Advanced modeling of protein sequence and biophysical properties (such as structural, functional, and spatial information, amino acid conservation, physicochemical variation, residue mobility, and thermodynamic stability) performed at Invitae indicates that this missense variant is expected to disrupt MYOZ2 protein function with a positive predictive value of 80%. In summary, the available evidence is currently insufficient to determine the role of this variant in disease. Therefore, it has been classified as a Variant of Uncertain Significance.

Ambry Genetics
Classification: Uncertain significance for Cardiovascular phenotype. Last evaluated: 2022-10-12. Review status: criteria provided, single submitter. Criteria: Ambry Variant Classification Scheme 2023. Collection method: clinical testing. Allele origin: germline.

NM_016599.5(MYOZ2):c.419A>T (p.Asn140Ile)

Gene: MYOZ2 (myozenin 2; plus strand). Cytogenetic location: 4q26.
Variant type: single nucleotide variant.
Coding change: c.419A>T on transcript NM_016599.5 (MANE Select); coding-DNA position 419, A replaced by T.
Protein change: p.Asn140Ile; replaces asparagine 140 with isoleucine.
Molecular consequence: missense variant.
Genome position (GRCh38, 1-based): chr4:119,164,253, A>T. VCF-style: chr4-119164253-A-T. GRCh37 (hg19) VCF-style: chr4-120085408-A-T.
Other names: c.419A>T (NM_016599.4); short protein forms N140I.
Identifiers: ClinVar variation 1426081 (VCV001426081.9), dbSNP rs745351307, ClinGen allele CA358204162.